The following is an entry in ClinVar:

ClinVar aggregate classification (germline): Benign/Likely benign. Review status: criteria provided, multiple submitters, no conflicts (2 of 4 stars). 11 submissions from 11 submitters: Benign (8); Likely benign (3). Last evaluated 2026-02-04.

Conditions:
Cardiovascular phenotype. Identifiers: MedGen CN230736.
Long QT syndrome (LQTS). Identifiers: MedGen C0023976, MeSH D008133, MONDO:0002442. Disease mechanism: loss of function. Inheritance: Various modes of inheritance.
Cardiac arrhythmia, ankyrin-B-related. Also called: ANKYRIN-B SYNDROME. Identifiers: Orphanet 101016, Orphanet 768, MedGen C1970119, MONDO:0010958, OMIM 600919.

Allele frequency attached by ClinVar (database versions not stated): gnomAD exomes 0.00145; ExAC 0.00178; gnomAD 0.00465; ESP Exome Variant Server 0.00531; TOPMed 0.00581; 1000 Genomes Project 30x 0.00734; 1000 Genomes Project 0.00799.

Submissions (11):

Labcorp Genetics (formerly Invitae), Labcorp
Classification: Benign for Long QT syndrome. Last evaluated: 2026-02-04. Review status: criteria provided, single submitter. Criteria: Invitae Variant Classification Sherloc (09022015). Collection method: clinical testing. Allele origin: germline.

Molecular Diagnostic Laboratory for Inherited Cardiovascular Disease, Montreal Heart Institute
Classification: Likely benign. Last evaluated: 2025-04-09. Review status: criteria provided, single submitter. Criteria: ACMG Guidelines, 2015. Collection method: clinical testing. Allele origin: germline. Affected: no.
Comment: BS1;BP4;BP6

Blueprint Genetics
Classification: Likely benign. Last evaluated: 2024-11-11. Review status: criteria provided, single submitter. Criteria: ACMG Guidelines, 2015. Collection method: clinical testing. Allele origin: germline.

Genome-Nilou Lab
Classification: Benign for Cardiac arrhythmia, ankyrin-B-related. Last evaluated: 2021-12-05. Review status: criteria provided, single submitter. Criteria: ACMG Guidelines, 2015. Collection method: clinical testing. Allele origin: germline. Affected: no.

Fulgent Genetics
Classification: Benign for Cardiac arrhythmia, ankyrin-B-related. Last evaluated: 2021-08-12. Review status: criteria provided, single submitter. Criteria: ACMG Guidelines, 2015. Collection method: clinical testing. Allele origin: unknown.

ARUP Laboratories, Molecular Genetics and Genomics, ARUP Laboratories
Classification: Likely benign. Last evaluated: 2020-12-17. Review status: criteria provided, single submitter. Criteria: ARUP Molecular Germline Variant Investigation Process 2021. Collection method: clinical testing. Allele origin: germline.

Illumina Laboratory Services, Illumina
Classification: Benign for Cardiac arrhythmia, ankyrin-B-related. Last evaluated: 2018-01-13. Review status: criteria provided, single submitter. Criteria: ICSL Variant Classification Criteria 13 December 2019. Collection method: clinical testing. Allele origin: germline.
Comment: This variant was observed in the ICSL laboratory as part of a predisposition screen in an ostensibly healthy population. It had not been previously curated by ICSL or reported in the Human Gene Mutation Database (HGMD: prior to June 1st, 2018), and was therefore a candidate for classification through an automated scoring system. Utilizing variant allele frequency, disease prevalence and penetrance estimates, and inheritance mode, an automated score was calculated to assess if this variant is too frequent to cause the disease. Based on the score and internal cut-off values, a variant classified as benign is not then subjected to further curation. The score for this variant resulted in a classification of benign for this disease.

GeneDx
Classification: Benign. Last evaluated: 2017-03-14. Review status: criteria provided, single submitter. Criteria: GeneDx Variant Classification (06012015). Collection method: clinical testing. Allele origin: germline. Affected: yes.
Comment: This variant is considered likely benign or benign based on one or more of the following criteria: it is a conservative change, it occurs at a poorly conserved position in the protein, it is predicted to be benign by multiple in silico algorithms, and/or has population frequency not consistent with disease.

Women's Health and Genetics/Laboratory Corporation of America, LabCorp
Classification: Benign. Last evaluated: 2017-03-13. Review status: criteria provided, single submitter. Criteria: LabCorp Variant Classification Summary - May 2015. Collection method: clinical testing. Allele origin: germline.
Comment: Variant summary: The ANK2 c.9061G>A (p.Ala3021Thr) variant involves the alteration of a non-conserved nucleotide and is predicted to be benign by 4/5 in silico tools. This variant was found in 216/121234 control chromosomes (including 1 homozygote), predominantly observed in the African subpopulation at a frequency of 0.019865 (206/10370). This frequency is about 1986 times the estimated maximal expected allele frequency of a pathogenic ANK2 variant (0.00001), suggesting this is likely a benign polymorphism found primarily in the populations of African origin. In addition, multiple clinical diagnostic laboratories/reputable databases have classified this variant as benign. Taken together, this variant is classified as Benign.

Ambry Genetics
Classification: Benign for Cardiovascular phenotype. Last evaluated: 2016-11-09. Review status: criteria provided, single submitter. Criteria: Ambry Variant Classification Scheme 2023. Collection method: clinical testing. Allele origin: germline.

Biesecker Lab/Clinical Genomics Section, National Institutes of Health
Classification: Benign. Last evaluated: 2013-06-24. Review status: criteria provided, single submitter. Criteria: Ng et al. (Circ Cardiovasc Genet. 2013). Collection method: research. Allele origin: unknown. Observed: 1 variant allele. Study: ClinSeq.
Comment: The study set was not selected for affection status in relation to any cancer. Pathogenicity categories were based on literature curation. See Pubmed ID:23861362 for details.

Medical sequencing

Literature cited by the submitters: PubMed 23861362 (cited by Women's Health and Genetics/Laboratory Corporation of America, LabCorp).

NM_001148.6(ANK2):c.9061G>A (p.Ala3021Thr)

Gene: ANK2 (ankyrin 2; plus strand). Cytogenetic location: 4q26.
Variant type: single nucleotide variant.
Coding change: c.9061G>A on transcript NM_001148.6 (MANE Select); coding-DNA position 9061, G replaced by A.
Protein change: p.Ala3021Thr; replaces alanine 3021 with threonine.
Molecular consequence: missense variant. On other transcripts: intron variant (68).
Genome position (GRCh38, 1-based): chr4:113,357,679, G>A. VCF-style: chr4-113357679-G-A. GRCh37 (hg19) VCF-style: chr4-114278835-G-A.
Other names: c.8827G>A, p.Ala2943Thr (NM_001386142.1); c.5461G>A, p.Ala1821Thr (NM_001386166.1); c.9202G>A, p.Ala3068Thr (NM_001386174.1); c.9178G>A, p.Ala3060Thr (NM_001386175.1); c.4412-3144G>A (NM_001386186.2, NM_001386148.2); c.4214-3144G>A (NM_001354269.3); c.4292-3144G>A (NM_001386187.2); c.4253-3144G>A (NM_001386147.1); and 36 more; short protein forms A3021T, A1821T, A2943T, A3060T, A3068T.
Identifiers: ClinVar variation 191561 (VCV000191561.30), dbSNP rs74348333, ClinGen allele CA199893.